The following is an entry in ClinVar:

ClinVar aggregate classification (germline): Conflicting classifications of pathogenicity. Review status: criteria provided, conflicting classifications (1 of 4 stars). 8 submissions from 8 submitters: Uncertain significance (1); Likely benign (6). 1 of the submissions does not count toward it. Last evaluated 2026-08-01.

Conditions:
ISCU-related disorder. Also called: ISCU-related condition.
Hereditary myopathy with lactic acidosis due to ISCU deficiency (HML). Also called: MYOPATHY WITH LACTIC ACIDOSIS, HEREDITARY. Identifiers: Orphanet 43115, MedGen C1850718, MONDO:0009706, OMIM 255125.

Allele frequency attached by ClinVar (database versions not stated): 1000 Genomes Project 0.00140; 1000 Genomes Project 30x 0.00203; TOPMed 0.00317; gnomAD 0.00362 and 0.00366; ExAC 0.00623.
gnomAD v4.1: 7,783 of 1,473,674 alleles (0.53%); highest among the groups gnomAD compares: Non-Finnish European, 0.61%; 42 homozygotes.

Submissions (8):

CeGaT Center for Human Genetics Tuebingen
Classification: Likely benign. Last evaluated: 2026-08-01. Review status: criteria provided, single submitter. Criteria: CeGaT Center For Human Genetics Tuebingen Variant Classification Criteria Version 2. Collection method: clinical testing. Allele origin: germline. Affected: yes. Observed: 17 variant alleles.
Comment: ISCU: BS2

Labcorp Genetics (formerly Invitae), Labcorp
Classification: Likely benign. Last evaluated: 2026-02-02. Review status: criteria provided, single submitter. Criteria: Invitae Variant Classification Sherloc (09022015). Collection method: clinical testing. Allele origin: germline.

Mayo Clinic Laboratories, Mayo Clinic
Classification: Likely benign. Last evaluated: 2024-11-04. Review status: criteria provided, single submitter. Criteria: ACMG Guidelines, 2015. Collection method: clinical testing. Allele origin: germline. Observed: 6 variant alleles.
Comment: BS2, BP4

Fulgent Genetics
Classification: Likely benign for Hereditary myopathy with lactic acidosis due to ISCU deficiency. Last evaluated: 2021-09-09. Review status: criteria provided, single submitter. Criteria: ACMG Guidelines, 2015. Collection method: clinical testing. Allele origin: unknown.

Revvity Omics, Revvity
Classification: Uncertain significance for Hereditary myopathy with lactic acidosis due to ISCU deficiency. Last evaluated: 2021-06-21. Review status: criteria provided, single submitter. Criteria: ACMG Guidelines, 2015. Collection method: clinical testing. Allele origin: germline.

GeneDx
Classification: Likely benign. Last evaluated: 2020-12-14. Review status: criteria provided, single submitter. Criteria: GeneDx Variant Classification Process June 2021. Collection method: clinical testing. Allele origin: germline. Affected: yes.

Breakthrough Genomics
Classification: Likely benign. Review status: criteria provided, single submitter. Criteria: ACMG Guidelines, 2015. Collection method: not provided. Allele origin: germline. Inheritance: Autosomal recessive inheritance. Affected: yes.

PreventionGenetics, part of Exact Sciences
Classification: Likely benign for ISCU-related condition. Last evaluated: 2020-01-20. Review status: no assertion criteria provided. Collection method: clinical testing. Allele origin: germline. Not counted in ClinVar's aggregate classification.
Comment: This variant is classified as likely benign based on ACMG/AMP sequence variant interpretation guidelines (Richards et al. 2015 PMID: 25741868, with internal and published modifications).

NM_213595.4(ISCU):c.10G>C (p.Ala4Pro)

Gene: ISCU (iron-sulfur cluster assembly enzyme; plus strand). Cytogenetic location: 12q23.3.
Variant type: single nucleotide variant.
Coding change: c.10G>C on transcript NM_213595.4 (MANE Select); coding-DNA position 10, G replaced by C.
Protein change: p.Ala4Pro; replaces alanine 4 with proline.
Molecular consequence: missense variant. On other transcripts: 5 prime UTR variant (1), non-coding transcript variant (1).
Genome position (GRCh38, 1-based): chr12:108,562,632, G>C. VCF-style: chr12-108562632-G-C. GRCh37 (hg19) VCF-style: chr12-108956408-G-C.
Other names: p.A4P:GCT>CCT; p.Ala4Pro; c.10G>C, p.Ala4Pro (NM_001301140.1, NM_001301141.1, NM_001320042.1); c.-162G>C (NM_014301.4); short protein forms A4P.
Identifiers: ClinVar variation 214555 (VCV000214555.59), dbSNP rs558084375, ClinGen allele CA320619.